The following is an entry in ClinVar:

ClinVar aggregate classification (germline): Conflicting classifications of pathogenicity. Review status: criteria provided, conflicting classifications (1 of 4 stars). 6 submissions from 6 submitters: Uncertain significance (4); Likely benign (1). 1 of the submissions does not count toward it. Last evaluated 2025-12-21.

Conditions:
Intellectual disability. Also called: Intellectual functioning disability; Intellectual developmental disorder; intellectual disabilities. Identifiers: MedGen C3714756, MeSH D008607, MONDO:0001071, HP:0001249.
Developmental and epileptic encephalopathy, 46 (DEE46). Also called: Epileptic encephalopathy, early infantile, 46; GRIN2D-Related Developmental and Epileptic Encephalopathy. Identifiers: MedGen C4310687, MONDO:0014947, OMIM 617162.
Inborn genetic diseases. Identifiers: MedGen C0950123, MeSH D030342.

Allele frequency attached by ClinVar (database versions not stated): gnomAD 0.00001 and 0.00002; gnomAD exomes 0.00001; TOPMed 0.00003; 1000 Genomes Project 30x 0.00016.
gnomAD v4.1: 13 of 1,067,312 alleles (0.0012%); highest among the groups gnomAD compares: South Asian, 0.0043%; no homozygotes.

Submissions (6):

Labcorp Genetics (formerly Invitae), Labcorp
Classification: Uncertain significance. Last evaluated: 2025-12-21. Review status: criteria provided, single submitter. Criteria: Invitae Variant Classification Sherloc (09022015). Collection method: clinical testing. Allele origin: germline.
Comment: This sequence change replaces glycine, which is neutral and non-polar, with serine, which is neutral and polar, at codon 1084 of the GRIN2D protein (p.Gly1084Ser). This variant is present in population databases (no rsID available, gnomAD no frequency). This variant has not been reported in the literature in individuals affected with GRIN2D-related conditions. ClinVar contains an entry for this variant (Variation ID: 975556). Invitae Evidence Modeling of protein sequence and biophysical properties (such as structural, functional, and spatial information, amino acid conservation, physicochemical variation, residue mobility, and thermodynamic stability) indicates that this missense variant is not expected to disrupt GRIN2D protein function with a negative predictive value of 95%. In summary, the available evidence is currently insufficient to determine the role of this variant in disease. Therefore, it has been classified as a Variant of Uncertain Significance.

Ambry Genetics
Classification: Uncertain significance for Inborn genetic diseases. Last evaluated: 2024-12-20. Review status: criteria provided, single submitter. Criteria: Ambry Variant Classification Scheme 2023. Collection method: clinical testing. Allele origin: germline.

Department of Pathology and Laboratory Medicine, Sinai Health System
Classification: Uncertain significance for Developmental and epileptic encephalopathy, 46. Last evaluated: 2023-11-26. Review status: criteria provided, single submitter. Criteria: ACMG Guidelines, 2015. Collection method: research. Allele origin: germline.

Blueprint Genetics
Classification: Likely benign. Last evaluated: 2022-08-30. Review status: criteria provided, single submitter. Criteria: ACMG Guidelines, 2015. Collection method: clinical testing. Allele origin: germline.

New York Genome Center
Classification: Uncertain significance for Developmental and epileptic encephalopathy, 46. Last evaluated: 2020-07-10. Review status: criteria provided, single submitter. Criteria: NYGC Assertion Criteria 2020. Collection method: clinical testing. Allele origin: inherited. Observed: 1 heterozygote. Study: CSER-NYCKidSeq.

Centre de Biologie Pathologie Génétique, Centre Hospitalier Universitaire de Lille
Classification: Likely benign for Intellectual disability. Last evaluated: 2019-01-01. Review status: no assertion criteria provided. Collection method: clinical testing. Allele origin: inherited. Affected: yes. Not counted in ClinVar's aggregate classification.

NM_000836.4(GRIN2D):c.3250G>A (p.Gly1084Ser)

Gene: GRIN2D (glutamate ionotropic receptor NMDA type subunit 2D; plus strand). Cytogenetic location: 19q13.33.
Variant type: single nucleotide variant.
Coding change: c.3250G>A on transcript NM_000836.4 (MANE Select); coding-DNA position 3250, G replaced by A.
Protein change: p.Gly1084Ser; replaces glycine 1084 with serine.
Molecular consequence: missense variant.
Genome position (GRCh38, 1-based): chr19:48,443,176, G>A. VCF-style: chr19-48443176-G-A. GRCh37 (hg19) VCF-style: chr19-48946433-G-A.
Other names: short protein forms G1084S.
Identifiers: ClinVar variation 975556 (VCV000975556.10), dbSNP rs1340140743, ClinGen allele CA406675216.